The following is an entry in ClinVar:

ClinVar aggregate classification (germline): Likely benign. Review status: criteria provided, single submitter (1 of 4 stars). 2 submissions from 2 submitters: Likely benign (1). 1 of the submissions does not count toward it. Last evaluated 2026-06-01.

Conditions:
CIC-related disorder. Also called: CIC-related condition.

Allele frequency attached by ClinVar (database versions not stated): TOPMed 0.00055; 1000 Genomes Project 0.00060; 1000 Genomes Project 30x 0.00062; gnomAD 0.00062; gnomAD exomes 0.00074.
gnomAD v4.1: 285 of 399,030 alleles (0.071%); highest among the groups gnomAD compares: Non-Finnish European, 0.091%; no homozygotes.

Submissions (2):

CeGaT Center for Human Genetics Tuebingen
Classification: Likely benign. Last evaluated: 2026-06-01. Review status: criteria provided, single submitter. Criteria: CeGaT Center For Human Genetics Tuebingen Variant Classification Criteria Version 2. Collection method: clinical testing. Allele origin: germline. Affected: yes. Observed: 6 variant alleles.
Comment: CIC: BS1

PreventionGenetics, part of Exact Sciences
Classification: Likely benign for CIC-related condition. Last evaluated: 2022-04-26. Review status: no assertion criteria provided. Collection method: clinical testing. Allele origin: germline. Not counted in ClinVar's aggregate classification.
Comment: This variant is classified as likely benign based on ACMG/AMP sequence variant interpretation guidelines (Richards et al. 2015 PMID: 25741868, with internal and published modifications).

NM_001386298.1(CIC):c.136G>A (p.Glu46Lys)

Gene: CIC (capicua transcriptional repressor; plus strand). Cytogenetic location: 19q13.2.
Variant type: single nucleotide variant.
Coding change: c.136G>A on transcript NM_001386298.1 (MANE Select); coding-DNA position 136, G replaced by A.
Protein change: p.Glu46Lys; replaces glutamic acid 46 with lysine.
Molecular consequence: missense variant.
Genome position (GRCh38, 1-based): chr19:42,271,919, G>A. VCF-style: chr19-42271919-G-A. GRCh37 (hg19) VCF-style: chr19-42776071-G-A.
Other names: c.136G>A, p.Glu46Lys (NM_001304815.2, NM_001379480.1, NM_001379482.1 and 1 more transcripts); short protein forms E46K.
Identifiers: ClinVar variation 1879442 (VCV001879442.30), dbSNP rs117565967, ClinGen allele CA9471543.